The following is an entry in ClinVar:

NM_015330.6(SPECC1L):c.2776C>G (p.Pro926Ala)

Genes: SPECC1L (sperm antigen with calponin homology and coiled-coil domains 1 like; plus strand), SPECC1L-ADORA2A (SPECC1L-ADORA2A readthrough (NMD candidate); plus strand). Cytogenetic location: 22q11.23.
Variant type: single nucleotide variant.
Coding change: c.2776C>G on transcript NM_015330.6 (MANE Select); coding-DNA position 2776, C replaced by G.
Protein change: p.Pro926Ala; replaces proline 926 with alanine.
Molecular consequence: missense variant. On other transcripts: non-coding transcript variant (1), 5 prime UTR variant (1).
Genome position (GRCh38, 1-based): chr22:24,363,293, C>G. VCF-style: chr22-24363293-C-G. GRCh37 (hg19) VCF-style: chr22-24759261-C-G.
Other names: c.2776C>G, p.Pro926Ala (NM_001145468.4, NM_001254732.3); c.-27C>G (NM_001254733.2); short protein forms P926A.
Identifiers: ClinVar variation 4072743 (VCV004072743.1).

ClinVar aggregate classification (germline): Uncertain significance (1 of 4 stars; one submission).

gnomAD v4.1: 1 of 1,614,192 alleles (0.000062%); highest among the groups gnomAD compares: South Asian, 0.0011%; no homozygotes.

Submission:

GeneDx
Classification: Uncertain significance. Last evaluated: 2025-01-31. Review status: criteria provided, single submitter. Criteria: GeneDx Variant Classification Process June 2021. Collection method: clinical testing. Allele origin: germline. Affected: yes.
Comment: Not observed at significant frequency in large population cohorts (gnomAD); In silico analysis indicates that this missense variant does not alter protein structure/function; Has not been previously published as pathogenic or benign to our knowledge